The following is an entry in ClinVar:

ClinVar aggregate classification (germline): Pathogenic/Likely pathogenic. Review status: criteria provided, multiple submitters, no conflicts (2 of 4 stars). 5 submissions from 5 submitters: Pathogenic (2); Likely pathogenic (3). Last evaluated 2026-03-24.

Conditions:
EYS-related disorder. Also called: EYS-related condition.
Retinitis pigmentosa 25 (RP25). Identifiers: Orphanet 791, MedGen C1864446, MONDO:0011272, OMIM 602772.

Submissions (5):

Myriad Genetics, Inc.
Classification: Pathogenic for Retinitis pigmentosa 25. Last evaluated: 2026-03-24. Review status: criteria provided, single submitter. Criteria: Myriad Autosomal Dominant, Autosomal Recessive and X-Linked Classification Criteria (2023). Collection method: clinical testing. Allele origin: unknown.
Comment: NM_001142800.1(EYS):c.3951_3952delAC(P1318Lfs*13) is a frameshift variant classified as pathogenic in the context of retinitis pigmentosa, EYS-related. P1318Lfs*13 has not been observed in cases with relevant disease. Relevant functional assessments of this variant are not available in the literature. P1318Lfs*13 has not been observed in referenced population frequency databases. In summary, NM_001142800.1(EYS):c.3951_3952delAC(P1318Lfs*13) is a frameshift variant in a gene where loss of function is a known mechanism of disease and is predicted to disrupt protein function. Please note: this variant was assessed in the context of healthy population screening.

Natera, Inc.
Classification: Likely pathogenic for Retinitis pigmentosa type 25. Last evaluated: 2025-12-02. Review status: criteria provided, single submitter. Criteria: Natera Variant Classification Schema (03/2026). Collection method: clinical testing. Allele origin: germline.
Comment: The c.3951_3952del variant in EYS is a frameshift variant predicted to shift the reading frame beginning at codon 1318 and leads to a stop codon 13 codons downstream. This variant is expected to result in nonsense mediated decay, truncation, or a dysfunctional protein product. This variant is rare in the general population with a frequency below the threshold expected for the associated phenotype(s). Given the available evidence, this variant is classified as Likely Pathogenic.

Labcorp Genetics (formerly Invitae), Labcorp
Classification: Pathogenic. Last evaluated: 2023-10-15. Review status: criteria provided, single submitter. Criteria: Invitae Variant Classification Sherloc (09022015). Collection method: clinical testing. Allele origin: germline.
Comment: This sequence change creates a premature translational stop signal (p.Pro1318Leufs*13) in the EYS gene. It is expected to result in an absent or disrupted protein product. Loss-of-function variants in EYS are known to be pathogenic (PMID: 18836446, 20333770). This variant is not present in population databases (gnomAD no frequency). This variant has not been reported in the literature in individuals affected with EYS-related conditions. For these reasons, this variant has been classified as Pathogenic.

Baylor Genetics
Classification: Likely pathogenic for Retinitis pigmentosa 25. Last evaluated: 2023-03-02. Review status: criteria provided, single submitter. Criteria: ACMG Guidelines, 2015. Collection method: clinical testing. Allele origin: unknown.

Blueprint Genetics
Classification: Likely pathogenic for EYS-related disorders. Last evaluated: 2019-09-20. Review status: criteria provided, single submitter. Criteria: ACMG Guidelines, 2015. Collection method: clinical testing. Allele origin: germline. Affected: yes. Observed: 1 variant allele.

Literature cited by the submitters: PubMed 18836446 (cited by Labcorp Genetics (formerly Invitae), Labcorp); PubMed 20333770 (cited by Labcorp Genetics (formerly Invitae), Labcorp).

NM_001142800.2(EYS):c.3951_3952del (p.Pro1318fs)

Gene: EYS (EGF-like photoreceptor maintenance factor; minus strand). Cytogenetic location: 6q12.
Variant type: Microsatellite.
Coding change: c.3951_3952del on transcript NM_001142800.2 (MANE Select); coding-DNA positions 3951 to 3952, 2 bases deleted (AC; older notation c.3951_3952delAC).
Protein change: p.Pro1318fs; shifts the reading frame from proline 1318.
Molecular consequence: frameshift variant.
Genome position (GRCh38, 1-based): chr6:64,591,915-64,591,916, GT deleted on the plus strand (AC on the coding strand, the reverse complement: EYS is on the minus strand); deleting any 2 consecutive bases within chr6:64,591,915-64,591,919 gives the same sequence; the c. name uses the placement nearest the transcript's 3' end. VCF-style (leftmost placement, unchanged base first): chr6-64591914-GGT-G. GRCh37 (hg19) VCF-style: chr6-65301807-GGT-G.
Other names: c.3951_3952del, p.Pro1318fs (NM_001292009.2); c.3951_3952del (NM_001142800.1); short protein forms P1318fs.
Identifiers: ClinVar variation 1070536 (VCV001070536.12), dbSNP rs1270740001, ClinGen allele CA450761065.